The following is an entry in ClinVar:

ClinVar aggregate classification (germline): Uncertain significance (1 of 4 stars; one submission).

Conditions:
Encephalopathy, acute, infection-induced (herpes-specific), susceptibility to, 1. Also called: Herpes simplex encephalitis, susceptibility to, 1. Identifiers: Orphanet 1930, MedGen C2750180, MONDO:0024563, OMIM 610551.

Allele frequency attached by ClinVar (database versions not stated): TOPMed 0.00002.
gnomAD v4.1: 6 of 1,392,616 alleles (0.00043%); highest among the groups gnomAD compares: African/African-American, 0.0015%; no homozygotes.

Submission:

Labcorp Genetics (formerly Invitae), Labcorp
Classification: Uncertain significance for Encephalopathy, acute, infection-induced (herpes-specific), susceptibility to, 1. Last evaluated: 2022-08-23. Review status: criteria provided, single submitter. Criteria: Invitae Variant Classification Sherloc (09022015). Collection method: clinical testing. Allele origin: germline.
Comment: This sequence change replaces glycine, which is neutral and non-polar, with arginine, which is basic and polar, at codon 28 of the UNC93B1 protein (p.Gly28Arg). This variant is not present in population databases (gnomAD no frequency). This variant has not been reported in the literature in individuals affected with UNC93B1-related conditions. ClinVar contains an entry for this variant (Variation ID: 1364207). Experimental studies and prediction algorithms are not available or were not evaluated, and the functional significance of this variant is currently unknown. In summary, the available evidence is currently insufficient to determine the role of this variant in disease. Therefore, it has been classified as a Variant of Uncertain Significance.

NM_030930.4(UNC93B1):c.82G>C (p.Gly28Arg)

Gene: UNC93B1 (unc-93B1 regulator of TLR signaling; minus strand). Cytogenetic location: 11q13.2.
Variant type: single nucleotide variant.
Coding change: c.82G>C on transcript NM_030930.4 (MANE Select); coding-DNA position 82, G replaced by C.
Protein change: p.Gly28Arg; replaces glycine 28 with arginine.
Molecular consequence: missense variant.
Genome position (GRCh38, 1-based): chr11:68,003,962, C>G on the plus strand (G>C on the coding strand, the complement: UNC93B1 is on the minus strand). VCF-style: chr11-68003962-C-G. GRCh37 (hg19) VCF-style: chr11-67771432-C-G.
Other names: short protein forms G28R.
Identifiers: ClinVar variation 1364207 (VCV001364207.3), dbSNP rs1168890624, ClinGen allele CA381579888.
Genomic context (GRCh38, chr11:68,003,962, plus strand): 5'-GGCCCACAGGGGACGCCCGCGCCTCGCACTCCGGGTCCCCGCTCACCGGGGCCTCGGGCC[C>G]GTCCGGGACCCCGAGCAGGTCCTCGTCGCCCTGCGGCCCCGCAGCCCCCGCCATCGGGTA-3'
Protein context (NP_112192.2, residues 18-38): GDEDLLGVPD[Gly28Arg]PEAPLDELVG